The following is an entry in ClinVar:

NM_153240.5(NPHP3):c.236C>T (p.Ser79Leu)

Genes: NPHP3 (nephrocystin 3; minus strand), NPHP3-AS1 (NPHP3 antisense RNA 1; plus strand), NPHP3-ACAD11 (NPHP3-ACAD11 readthrough (NMD candidate); minus strand), LOC129937586 (ATAC-STARR-seq lymphoblastoid silent region 14743; plus strand). Cytogenetic location: 3q22.1.
Variant type: single nucleotide variant.
Coding change: c.236C>T on transcript NM_153240.5 (MANE Select); coding-DNA position 236, C replaced by T.
Protein change: p.Ser79Leu; replaces serine 79 with leucine.
Molecular consequence: missense variant. On other transcripts: non-coding transcript variant (3).
Genome position (GRCh38, 1-based): chr3:132,722,120, G>A on the plus strand (C>T on the coding strand, the complement: NPHP3 is on the minus strand). VCF-style: chr3-132722120-G-A. GRCh37 (hg19) VCF-style: chr3-132440964-G-A.
Other names: short protein forms S79L.
Identifiers: ClinVar variation 937218 (VCV000937218.9), dbSNP rs1303757034, ClinGen allele CA354589254.
Genomic context (GRCh38, chr3:132,722,120, plus strand): 5'-TCGTACTCCTTCCTGAGCCGCTCGTACTCGGCCGCCGCGTACTCCAGCTCTGGCACCGAC[G>A]AGCCAGTGGACTTGAAGCTGGCCCCCAGCAGCCCGCCCGCGCCCACCCCGCGGGGCAGCG-3'
Protein context (NP_694972.3, residues 69-89): LLGASFKSTG[Ser79Leu]SVPELEYAAA

ClinVar aggregate classification (germline): Uncertain significance. Review status: criteria provided, multiple submitters, no conflicts (2 of 4 stars). 3 submissions from 3 submitters: Uncertain significance (3). Last evaluated 2024-03-07.

Conditions:
Nephronophthisis 3 (NPHP3). Also called: Adolescent nephronophthisis. Identifiers: Orphanet 655, MedGen C1858392, MONDO:0011456, OMIM 604387.
NPHP3-related Meckel-like syndrome. Also called: GOLDSTON SYNDROME; Meckel syndrome type 7. Identifiers: Orphanet 3032, MedGen C2673885, MONDO:0009966, OMIM 267010.
Renal-hepatic-pancreatic dysplasia 1 (RHPD1). Identifiers: MedGen C3715199, MONDO:0008833, OMIM 208540.
Nephronophthisis. Also called: Juvenile Nephronophthisis. Identifiers: Orphanet 655, MedGen C0687120, MONDO:0019005, HP:0000090.

Allele frequency attached by ClinVar (database versions not stated): gnomAD 0.00001; gnomAD exomes 0.00001 and 0.00002.
gnomAD v4.1: 27 of 1,606,220 alleles (0.0017%); highest among the groups gnomAD compares: East Asian, 0.0022%; 1 homozygote.

Submissions (3):

Fulgent Genetics
Classification: Uncertain significance for Renal-hepatic-pancreatic dysplasia 1; NPHP3-related Meckel-like syndrome; Nephronophthisis 3. Last evaluated: 2024-03-07. Review status: criteria provided, single submitter. Criteria: ACMG Guidelines, 2015. Collection method: clinical testing. Allele origin: germline.

Labcorp Genetics (formerly Invitae), Labcorp
Classification: Uncertain significance for Nephronophthisis. Last evaluated: 2022-02-24. Review status: criteria provided, single submitter. Criteria: Invitae Variant Classification Sherloc (09022015). Collection method: clinical testing. Allele origin: germline.
Comment: This sequence change replaces serine, which is neutral and polar, with leucine, which is neutral and non-polar, at codon 79 of the NPHP3 protein (p.Ser79Leu). The frequency data for this variant in the population databases is considered unreliable, as metrics indicate poor data quality at this position in the gnomAD database. This variant has not been reported in the literature in individuals affected with NPHP3-related conditions. ClinVar contains an entry for this variant (Variation ID: 937218). Algorithms developed to predict the effect of missense changes on protein structure and function are either unavailable or do not agree on the potential impact of this missense change (SIFT: "Deleterious"; PolyPhen-2: "Possibly Damaging"; Align-GVGD: "Class C0"). In summary, the available evidence is currently insufficient to determine the role of this variant in disease. Therefore, it has been classified as a Variant of Uncertain Significance.

Baylor Genetics
Classification: Uncertain significance for NPHP3-related Meckel-like syndrome. Last evaluated: 2019-07-17. Review status: criteria provided, single submitter. Criteria: ACMG Guidelines, 2015. Collection method: clinical testing. Allele origin: unknown. Affected: yes.
Comment: This variant was determined to be of uncertain significance according to ACMG Guidelines, 2015 [PMID:25741868].